The following is an entry in ClinVar:

ClinVar aggregate classification (germline): Uncertain significance (1 of 4 stars; one submission).

Conditions:
Autosomal recessive hypophosphatemic bone disease (HHRH). Also called: HYPERCALCIURIC RICKETS; Hypophosphatemic rickets with hypercalciuria. Identifiers: Orphanet 157215, MedGen C1853271, MONDO:0009431, OMIM 241530.

gnomAD v4.1: 74 of 1,542,504 alleles (0.0048%); highest among the groups gnomAD compares: Non-Finnish European, 0.0064%; no homozygotes.

Submission:

Rare Kidney Stone Consortium and the Mayo Clinic Hyperoxaluria Center, Mayo Clinic
Classification: Uncertain significance for Autosomal recessive hypophosphatemic bone disease. Last evaluated: 2025-05-01. Review status: criteria provided, single submitter. Criteria: ACMG Guidelines, 2015. Collection method: research. Allele origin: germline.
Comment: ACMG: PM2, PP2, PP3, PP4

heterozygote.

Literature cited by the submitters: PubMed 34805638.

NM_001177316.2(SLC34A3):c.1711C>T (p.Pro571Ser)

Gene: SLC34A3 (solute carrier family 34 member 3; plus strand). Cytogenetic location: 9q34.3.
Variant type: single nucleotide variant.
Coding change: c.1711C>T on transcript NM_001177316.2 (MANE Select); coding-DNA position 1711, C replaced by T.
Protein change: p.Pro571Ser; replaces proline 571 with serine.
Molecular consequence: missense variant.
Genome position (GRCh38, 1-based): chr9:137,236,327, C>T. VCF-style: chr9-137236327-C-T. GRCh37 (hg19) VCF-style: chr9-140130779-C-T.
Other names: c.1711C>T, p.Pro571Ser (NM_001177317.2, NM_080877.3); short protein forms P571S.
Identifiers: ClinVar variation 4074276 (VCV004074276.1).